The following is an entry in ClinVar:

NM_017780.4(CHD7):c.1666-6T>C

Genes: CHD7 (chromodomain helicase DNA binding protein 7; plus strand), LOC126860403 (CDK7 strongly-dependent group 2 enhancer GRCh37_chr8:61693034-61694233; plus strand). Cytogenetic location: 8q12.2.
Variant type: single nucleotide variant.
Coding change: c.1666-6T>C on transcript NM_017780.4 (MANE Select); 6 bases into the intron before coding-DNA position 1666, T replaced by C.
Molecular consequence: intron variant.
Genome position (GRCh38, 1-based): chr8:60,780,994, T>C. VCF-style: chr8-60780994-T-C. GRCh37 (hg19) VCF-style: chr8-61693553-T-C.
Other names: c.1666-6T>C (NM_001316690.1).
Identifiers: ClinVar variation 4538672 (VCV004538672.1).
Genomic context (GRCh38, chr8:60,780,994, plus strand): 5'-CTTTCAGTTCTTTTCTTTACTGTGAAGAATGATAAACTAATTTCAATTCCTATTTGTGTC[T>C]CTCAGCATTCCCCGTCGGAGCCCTTTCTAGAGAAACCAGTGCCGGATATGACTCAGGTTA-3'

ClinVar aggregate classification (germline): Uncertain significance (1 of 4 stars; one submission).

gnomAD v4.1: 4 of 1,539,038 alleles (0.00026%); highest among the groups gnomAD compares: Non-Finnish European, 0.00035%; no homozygotes.

Submission:

GeneDx
Classification: Uncertain significance. Last evaluated: 2025-06-16. Review status: criteria provided, single submitter. Criteria: GeneDx Variant Classification Process June 2021. Collection method: clinical testing. Allele origin: germline. Affected: yes.
Comment: Not observed at significant frequency in large population cohorts (gnomAD); In silico analysis suggests that this variant does not alter splicing; Has not been previously published as pathogenic or benign to our knowledge